The following is an entry in ClinVar:

ClinVar aggregate classification (germline): Uncertain significance. Review status: criteria provided, multiple submitters, no conflicts (2 of 4 stars). 3 submissions from 3 submitters: Uncertain significance (2). 1 of the submissions does not count toward it. Last evaluated 2025-02-07.

Conditions:
Inborn genetic diseases. Identifiers: MedGen C0950123, MeSH D030342.
IFT74-related disorder. Also called: IFT74-related condition; IFT74-Related Disorders.

Allele frequency attached by ClinVar (database versions not stated): ExAC 0.00003; TOPMed 0.00007; ESP Exome Variant Server 0.00008; gnomAD 0.00009; 1000 Genomes Project 30x 0.00016; 1000 Genomes Project 0.00020.
gnomAD v4.1: 26 of 1,595,326 alleles (0.0016%); highest among the groups gnomAD compares: African/African-American, 0.032%; no homozygotes.

Submissions (4):

Ambry Genetics
Classification: Uncertain significance for Inborn genetic diseases. Last evaluated: 2025-02-07. Review status: criteria provided, single submitter. Criteria: Ambry Variant Classification Scheme 2023. Collection method: clinical testing. Allele origin: germline.

Labcorp Genetics (formerly Invitae), Labcorp
Classification: Uncertain significance. Last evaluated: 2022-08-31. Review status: criteria provided, single submitter. Criteria: Invitae Variant Classification Sherloc (09022015). Collection method: clinical testing. Allele origin: germline.
Comment: This sequence change replaces isoleucine, which is neutral and non-polar, with valine, which is neutral and non-polar, at codon 265 of the IFT74 protein (p.Ile265Val). This variant is present in population databases (rs370062629, gnomAD 0.03%). This variant has not been reported in the literature in individuals affected with IFT74-related conditions. ClinVar contains an entry for this variant (Variation ID: 1522209). Algorithms developed to predict the effect of missense changes on protein structure and function (SIFT, PolyPhen-2, Align-GVGD) all suggest that this variant is likely to be tolerated. In summary, the available evidence is currently insufficient to determine the role of this variant in disease. Therefore, it has been classified as a Variant of Uncertain Significance.

PreventionGenetics, part of Exact Sciences
Classification: Uncertain significance for IFT74-related condition. Last evaluated: 2024-07-01. Review status: no assertion criteria provided. Collection method: clinical testing. Allele origin: germline. Not counted in ClinVar's aggregate classification.
Comment: The IFT74 c.793A>G variant is predicted to result in the amino acid substitution p.Ile265Val. To our knowledge, this variant has not been reported in the literature. This variant is reported in 0.029% of alleles in individuals of African descent in gnomAD. At this time, the clinical significance of this variant is uncertain due to the absence of conclusive functional and genetic evidence.

Dr. Peter K. Rogan Lab, Western University
No classification provided (evidence only). Condition: Ovarian serous cystadenocarcinoma. Review status: no classification provided. Collection method: in vitro. Allele origin: not applicable. Functional consequence: retained intron. Not counted in ClinVar's aggregate classification.

NM_025103.4(IFT74):c.793A>G (p.Ile265Val)

Gene: IFT74 (intraflagellar transport 74; plus strand). Cytogenetic location: 9p21.2.
Variant type: single nucleotide variant.
Coding change: c.793A>G on transcript NM_025103.4 (MANE Select); coding-DNA position 793, A replaced by G.
Protein change: p.Ile265Val; replaces isoleucine 265 with valine.
Molecular consequence: missense variant.
Genome position (GRCh38, 1-based): chr9:27,016,910, A>G. VCF-style: chr9-27016910-A-G. GRCh37 (hg19) VCF-style: chr9-27016908-A-G.
Other names: c.793A>G (NM_025103.2, NM_001099222.1); c.793A>G, p.Ile265Val (NM_001099222.3, NM_001099223.3, NM_001099224.3 and 1 more transcripts); short protein forms I265V.
Identifiers: ClinVar variation 1522209 (VCV001522209.6), dbSNP rs370062629, ClinGen allele CA5015409.
Genomic context (GRCh38, chr9:27,016,910, plus strand): 5'-TTAGAATAATTATTGATAAAATACTAATTAAAACTTTCCCTTCTTATTTTCCTTTAGGAA[A>G]TAGCTCACTCCCAGGTGAAACAGGAGGCGGTATTGCTGCATGAAAAACTTTATGAGTTGG-3'
Protein context (NP_079379.2, residues 255-275): NMKKESLEAE[Ile265Val]AHSQVKQEAV